The following is an entry in ClinVar:

ClinVar aggregate classification (germline): Uncertain significance. Review status: criteria provided, multiple submitters, no conflicts (2 of 4 stars). 4 submissions from 4 submitters: Uncertain significance (3). 1 of the submissions does not count toward it. Last evaluated 2025-09-11.

Conditions:
Hereditary cancer-predisposing syndrome. Also called: Hereditary neoplastic syndrome; Tumor predisposition; Neoplastic Syndromes, Hereditary; Hereditary Cancer Syndrome. Identifiers: Orphanet 140162, MedGen C0027672, MeSH D009386, MONDO:0015356.
Familial adenomatous polyposis 1 (FAP1). Also called: POLYPOSIS, ADENOMATOUS INTESTINAL; FAMILIAL ADENOMATOUS POLYPOSIS 1, ATTENUATED. Identifiers: MedGen C2713442, MONDO:0021056, OMIM 175100. Disease mechanism: loss of function.

Submissions (4):

Labcorp Genetics (formerly Invitae), Labcorp
Classification: Uncertain significance for Familial adenomatous polyposis 1. Last evaluated: 2025-09-11. Review status: criteria provided, single submitter. Criteria: Invitae Variant Classification Sherloc (09022015). Collection method: clinical testing. Allele origin: germline.
Comment: This sequence change replaces arginine, which is basic and polar, with glycine, which is neutral and non-polar, at codon 414 of the APC protein (p.Arg414Gly). This variant is not present in population databases (gnomAD no frequency). This missense change has been observed in individual(s) with clinical features of attenuated adenomatous polyposis (PMID: 31285513). ClinVar contains an entry for this variant (Variation ID: 570563). Invitae Evidence Modeling of protein sequence and biophysical properties (such as structural, functional, and spatial information, amino acid conservation, physicochemical variation, residue mobility, and thermodynamic stability) indicates that this missense variant is not expected to disrupt APC protein function with a negative predictive value of 95%. In summary, the available evidence is currently insufficient to determine the role of this variant in disease. Therefore, it has been classified as a Variant of Uncertain Significance.

Ambry Genetics
Classification: Uncertain significance for Hereditary cancer-predisposing syndrome. Last evaluated: 2025-03-04. Review status: criteria provided, single submitter. Criteria: Ambry Variant Classification Scheme 2023. Collection method: clinical testing. Allele origin: germline.
Comment: The c.1240C>G variant (also known as p.R414G), located in coding exon 9 of the APC gene, results from a C to G substitution at nucleotide position 1240. The arginine at codon 414 is replaced by glycine, an amino acid with dissimilar properties. This nucleotide position is highly conserved in available vertebrate species. In silico splice site analysis for this alteration is inconclusive. RNA studies have demonstrated that this alteration results in a splice defect; the clinical impact of this abnormal splicing is unknown at this time (Ambry internal data). Based on the available evidence, the clinical significance of this variant remains unclear.

Revvity Omics, Revvity
Classification: Uncertain significance. Last evaluated: 2023-12-29. Review status: criteria provided, single submitter. Criteria: ACMG Guidelines, 2015. Collection method: clinical testing. Allele origin: germline.

Molecular Oncology Laboratory, Hospital Clínico San Carlos
Classification: Uncertain significance for Familial adenomatous polyposis 1. Last evaluated: 2018-06-01. Review status: no assertion criteria provided. Criteria: ACMG Guidelines, 2015. Collection method: clinical testing. Allele origin: germline. Inheritance: Autosomal dominant inheritance. Affected: yes. Not counted in ClinVar's aggregate classification.

Literature cited by the submitters: PubMed 31285513 (cited by Labcorp Genetics (formerly Invitae), Labcorp).

NM_000038.6(APC):c.1240C>G (p.Arg414Gly)

Gene: APC (APC regulator of Wnt signaling pathway; plus strand). Cytogenetic location: 5q22.2.
Variant type: single nucleotide variant.
Coding change: c.1240C>G on transcript NM_000038.6 (MANE Select); coding-DNA position 1240, C replaced by G.
Protein change: p.Arg414Gly; replaces arginine 414 with glycine.
Molecular consequence: missense variant.
Genome position (GRCh38, 1-based): chr5:112,819,272, C>G. VCF-style: chr5-112819272-C-G. GRCh37 (hg19) VCF-style: chr5-112154969-C-G.
Other names: c.1240C>G, p.Arg414Gly (NM_001127510.3, NM_001354895.2, NM_001354896.2); c.1186C>G, p.Arg396Gly (NM_001127511.3); c.1270C>G, p.Arg424Gly (NM_001354897.2); c.1165C>G, p.Arg389Gly (NM_001354898.2); c.1156C>G, p.Arg386Gly (NM_001354899.2); c.1063C>G, p.Arg355Gly (NM_001354900.2, NM_001354901.2); c.967C>G, p.Arg323Gly (NM_001354902.2); c.937C>G, p.Arg313Gly (NM_001354903.2); and 3 more; short protein forms R396G, R414G, R386G, R313G, R389G, R288G, R355G, R424G.
Identifiers: ClinVar variation 570563 (VCV000570563.13), dbSNP rs137854567, ClinGen allele CA16024017.